The following is an entry in ClinVar:

NM_025137.4(SPG11):c.6507C>A (p.Tyr2169Ter)

Gene: SPG11 (SPG11 vesicle trafficking associated, spatacsin; minus strand). Cytogenetic location: 15q21.1.
Variant type: single nucleotide variant.
Coding change: c.6507C>A on transcript NM_025137.4 (MANE Select); coding-DNA position 6507, C replaced by A.
Protein change: p.Tyr2169Ter; replaces tyrosine 2169 with a stop codon.
Molecular consequence: nonsense.
Genome position (GRCh38, 1-based): chr15:44,569,476, G>T on the plus strand (C>A on the coding strand, the complement: SPG11 is on the minus strand). VCF-style: chr15-44569476-G-T. GRCh37 (hg19) VCF-style: chr15-44861674-G-T.
Other names: c.6168C>A, p.Tyr2056Ter (NM_001160227.2); c.6363C>A, p.Tyr2121Ter (NM_001411132.1); short protein forms Y2121*, Y2169*, Y2056*.
Identifiers: ClinVar variation 2864034 (VCV002864034.4), dbSNP rs1476614745, ClinGen allele CA392216014.

ClinVar aggregate classification (germline): Pathogenic (1 of 4 stars; one submission).

Conditions:
Hereditary spastic paraplegia 11. Also called: Spastic Paraplegia 11; Spastic paraplegia, mental retardation and thin corpus callosum; Nakamura Osame syndrome; Autosomal recessive hereditary spastic paraplegia, mental impairment, and thin corpus callosum; SPASTIC PARAPLEGIA, AUTOSOMAL RECESSIVE, COMPLICATED, WITH THIN CORPUS CALLOSUM; SPASTIC PARAPLEGIA, AUTOSOMAL RECESSIVE, WITH MENTAL IMPAIRMENT AND THIN CORPUS CALLOSUM. Identifiers: Orphanet 2822, MedGen C1858479, MONDO:0011445, OMIM 604360.

Submissions (2):

Labcorp Genetics (formerly Invitae), Labcorp
Classification: Pathogenic for Hereditary spastic paraplegia 11. Last evaluated: 2023-05-13. Review status: criteria provided, single submitter. Criteria: Invitae Variant Classification Sherloc (09022015). Collection method: clinical testing. Allele origin: germline.
Comment: This variant has not been reported in the literature in individuals affected with SPG11-related conditions. For these reasons, this variant has been classified as Pathogenic. This variant is not present in population databases (gnomAD no frequency). This sequence change creates a premature translational stop signal (p.Tyr2169*) in the SPG11 gene. It is expected to result in an absent or disrupted protein product. Loss-of-function variants in SPG11 are known to be pathogenic (PMID: 19105190, 20110243, 22154821, 26556829).

Dr. Peter K. Rogan Lab, Western University
No classification provided (evidence only). Condition: Thyroid cancer, nonmedullary, 1. Review status: no classification provided. Collection method: in vitro. Allele origin: not applicable. Functional consequence: retained intron. Not counted in ClinVar's aggregate classification.

Literature cited by the submitters: PubMed 19105190 (cited by Labcorp Genetics (formerly Invitae), Labcorp); PubMed 20110243 (cited by Labcorp Genetics (formerly Invitae), Labcorp); PubMed 22154821 (cited by Labcorp Genetics (formerly Invitae), Labcorp); PubMed 26556829 (cited by Labcorp Genetics (formerly Invitae), Labcorp).